The following is an entry in ClinVar:

NM_001029883.3(PCARE):c.2113G>A (p.Ala705Thr)

Gene: PCARE (photoreceptor cilium actin regulator; minus strand). Cytogenetic location: 2p23.2.
Variant type: single nucleotide variant.
Coding change: c.2113G>A on transcript NM_001029883.3 (MANE Select); coding-DNA position 2113, G replaced by A.
Protein change: p.Ala705Thr; replaces alanine 705 with threonine.
Molecular consequence: missense variant.
Genome position (GRCh38, 1-based): chr2:29,072,149, C>T on the plus strand (G>A on the coding strand, the complement: PCARE is on the minus strand). VCF-style: chr2-29072149-C-T. GRCh37 (hg19) VCF-style: chr2-29295015-C-T.
Other names: short protein forms A705T.
Identifiers: ClinVar variation 1395641 (VCV001395641.8), dbSNP rs2148415847, ClinGen allele CA346478210.

ClinVar aggregate classification (germline): Uncertain significance (1 of 4 stars; one submission).

gnomAD v4.1: 2 of 1,614,236 alleles (0.00012%); highest among the groups gnomAD compares: African/African-American, 0.0013%; no homozygotes.

Submission:

Labcorp Genetics (formerly Invitae), Labcorp
Classification: Uncertain significance. Last evaluated: 2023-05-08. Review status: criteria provided, single submitter. Criteria: Invitae Variant Classification Sherloc (09022015). Collection method: clinical testing. Allele origin: germline.
Comment: In summary, the available evidence is currently insufficient to determine the role of this variant in disease. Therefore, it has been classified as a Variant of Uncertain Significance. Algorithms developed to predict the effect of missense changes on protein structure and function output the following: SIFT: "Not Available"; PolyPhen-2: "Benign"; Align-GVGD: "Not Available". The threonine amino acid residue is found in multiple mammalian species, which suggests that this missense change does not adversely affect protein function. ClinVar contains an entry for this variant (Variation ID: 1395641). This variant has not been reported in the literature in individuals affected with PCARE-related conditions. This variant is not present in population databases (gnomAD no frequency). This sequence change replaces alanine, which is neutral and non-polar, with threonine, which is neutral and polar, at codon 705 of the PCARE protein (p.Ala705Thr).